The following is an entry in ClinVar:

ClinVar aggregate classification (germline): Uncertain significance. Review status: criteria provided, multiple submitters, no conflicts (2 of 4 stars). 2 submissions from 2 submitters: Uncertain significance (2). Last evaluated 2026-03-02.

Conditions:
Hereditary cancer-predisposing syndrome. Also called: Hereditary Cancer Syndrome; Neoplastic Syndromes, Hereditary; Tumor predisposition; Hereditary neoplastic syndrome. Identifiers: Orphanet 140162, MedGen C0027672, MeSH D009386, MONDO:0015356.
Gorlin syndrome. Also called: Nevoid Basal Cell Carcinoma Syndrome; Basal cell nevus syndrome. Identifiers: Orphanet 377, MedGen C0004779, MONDO:0007187.

gnomAD v4.1: 4 of 1,614,206 alleles (0.00025%); highest among the groups gnomAD compares: Non-Finnish European, 0.00034%; no homozygotes.

Submissions (2):

Ambry Genetics
Classification: Uncertain significance for Hereditary cancer-predisposing syndrome. Last evaluated: 2026-03-02. Review status: criteria provided, single submitter. Criteria: Ambry Variant Classification Scheme 2023. Collection method: clinical testing. Allele origin: germline.
Comment: The p.E150G variant (also known as c.449A>G), located in coding exon 3 of the PTCH1 gene, results from an A to G substitution at nucleotide position 449. The glutamic acid at codon 150 is replaced by glycine, an amino acid with similar properties. This amino acid position is conserved. In addition, this alteration is predicted to be deleterious by in silico analysis. Based on the available evidence, the clinical significance of this variant remains unclear.

Labcorp Genetics (formerly Invitae), Labcorp
Classification: Uncertain significance for Gorlin syndrome. Last evaluated: 2024-06-03. Review status: criteria provided, single submitter. Criteria: Invitae Variant Classification Sherloc (09022015). Collection method: clinical testing. Allele origin: germline.
Comment: This sequence change replaces glutamic acid, which is acidic and polar, with glycine, which is neutral and non-polar, at codon 150 of the PTCH1 protein (p.Glu150Gly). This variant is not present in population databases (gnomAD no frequency). This variant has not been reported in the literature in individuals affected with PTCH1-related conditions. Advanced modeling of protein sequence and biophysical properties (such as structural, functional, and spatial information, amino acid conservation, physicochemical variation, residue mobility, and thermodynamic stability) performed at Invitae indicates that this missense variant is not expected to disrupt PTCH1 protein function with a negative predictive value of 95%. In summary, the available evidence is currently insufficient to determine the role of this variant in disease. Therefore, it has been classified as a Variant of Uncertain Significance.

NM_000264.5(PTCH1):c.449A>G (p.Glu150Gly)

Gene: PTCH1 (patched 1; minus strand). Cytogenetic location: 9q22.32.
Variant type: single nucleotide variant.
Coding change: c.449A>G on transcript NM_000264.5 (MANE Select); coding-DNA position 449, A replaced by G.
Protein change: p.Glu150Gly; replaces glutamic acid 150 with glycine.
Molecular consequence: missense variant. On other transcripts: 5 prime UTR variant (4), non-coding transcript variant (1).
Genome position (GRCh38, 1-based): chr9:95,485,820, T>C on the plus strand (A>G on the coding strand, the complement: PTCH1 is on the minus strand). VCF-style: chr9-95485820-T-C. GRCh37 (hg19) VCF-style: chr9-98248102-T-C.
Other names: c.251A>G, p.Glu84Gly (NM_001083602.3, NM_001354919.2); c.446A>G, p.Glu149Gly (NM_001083603.3); c.-5A>G (NM_001083604.3, NM_001083605.3, NM_001083606.3 and 1 more transcripts); c.449A>G, p.Glu150Gly (NM_001354918.2); short protein forms E150G, E149G, E84G.
Identifiers: ClinVar variation 3689769 (VCV003689769.3).
Genomic context (GRCh38, chr9:95,485,820, plus strand): 5'-AGGACATTAGCACCTTCTTCTTTAGGGGTCTGTATCATGAGTTGAGGATTAAACATAGCC[T>C]CTTCTCCAATCTTCTGGCGAGTATAATTTAATTCACGACTTACTCGTCCTCCAACTGACA-3'
Protein context (NP_000255.2, residues 140-160): LNYTRQKIGE[Glu150Gly]AMFNPQLMIQ